The following is an entry in ClinVar:

NM_024408.4(NOTCH2):c.4163G>T (p.Ser1388Ile)

Gene: NOTCH2 (notch receptor 2; minus strand). Cytogenetic location: 1p12.
Variant type: single nucleotide variant.
Coding change: c.4163G>T on transcript NM_024408.4 (MANE Select); coding-DNA position 4163, G replaced by T.
Protein change: p.Ser1388Ile; replaces serine 1388 with isoleucine.
Molecular consequence: missense variant.
Genome position (GRCh38, 1-based): chr1:119,925,653, C>A on the plus strand (G>T on the coding strand, the complement: NOTCH2 is on the minus strand). VCF-style: chr1-119925653-C-A. GRCh37 (hg19) VCF-style: chr1-120468276-C-A.
Other names: short protein forms S1388I.
Identifiers: ClinVar variation 5018029 (VCV005018029.1).
Genomic context (GRCh38, chr1:119,925,653, plus strand): 5'-CCCGAGAATGGTGGGGCACACTGGCAGGAGTAATAAGGAGGCTGGCGCTGAGGGTGGCAG[C>A]TGCCCCCGTGCTGGCAGGGGCTACTGGCACAGCCTGACTCGCAGTCCCGGGGACTGGGGC-3'
Protein context (NP_077719.2, residues 1378-1398): CASSPCQHGG[Ser1388Ile]CHPQRQPPYY

ClinVar aggregate classification (germline): Uncertain significance (1 of 4 stars; one submission).

Submission:

GeneDx
Classification: Uncertain significance. Last evaluated: 2026-03-31. Review status: criteria provided, single submitter. Criteria: GeneDx Variant Classification Process June 2021. Collection method: clinical testing. Allele origin: germline.
Comment: Not observed at significant frequency in large population cohorts (gnomAD); In silico analysis suggests that this missense variant does not alter protein structure/function; Has not been previously published as pathogenic or benign to our knowledge